The following is an entry in ClinVar:

ClinVar aggregate classification (germline): Uncertain significance (1 of 4 stars; one submission).

Conditions:
Inborn genetic diseases. Identifiers: MedGen C0950123, MeSH D030342.

Submission:

Ambry Genetics
Classification: Uncertain significance for Inborn genetic diseases. Last evaluated: 2025-05-05. Review status: criteria provided, single submitter. Criteria: Ambry Variant Classification Scheme 2023. Collection method: clinical testing. Allele origin: germline.
Comment: The p.E173G variant (also known as c.518A>G), located in coding exon 3 of the ANKRD26 gene, results from an A to G substitution at nucleotide position 518. The glutamic acid at codon 173 is replaced by glycine, an amino acid with similar properties. This amino acid position is conserved. In addition, this alteration is predicted to be tolerated by in silico analysis. Based on the available evidence, the clinical significance of this variant remains unclear.

NM_014915.3(ANKRD26):c.518A>G (p.Glu173Gly)

Gene: ANKRD26 (ankyrin repeat domain containing 26; minus strand). Cytogenetic location: 10p12.1.
Variant type: single nucleotide variant.
Coding change: c.518A>G on transcript NM_014915.3 (MANE Select); coding-DNA position 518, A replaced by G.
Protein change: p.Glu173Gly; replaces glutamic acid 173 with glycine.
Molecular consequence: missense variant.
Genome position (GRCh38, 1-based): chr10:27,093,362, T>C on the plus strand (A>G on the coding strand, the complement: ANKRD26 is on the minus strand). VCF-style: chr10-27093362-T-C. GRCh37 (hg19) VCF-style: chr10-27382291-T-C.
Other names: c.518A>G, p.Glu173Gly (NM_001256053.2); short protein forms E173G.
Identifiers: ClinVar variation 3914207 (VCV003914207.1).